The following is an entry in ClinVar:

ClinVar aggregate classification (germline): Uncertain significance. Review status: criteria provided, multiple submitters, no conflicts (2 of 4 stars). 3 submissions from 3 submitters: Uncertain significance (3). Last evaluated 2024-03-12.

Conditions:
Chondrosarcoma. Also called: Chondrosarcoma, somatic. Identifiers: Orphanet 55880, MedGen C0008479, MONDO:0008977, OMIM 215300, HP:0006765.
Exostoses, multiple, type 1 (EXT1). Also called: EXOSTOSES, MULTIPLE, TYPE I; Hereditary Multiple Osteochondromatosis, Type I. Identifiers: MedGen CN263289, MONDO:0007585, OMIM 133700.
Multiple congenital exostosis (EXT). Also called: Hereditary multiple osteochondromas; MULTIPLE CARTILAGINOUS EXOSTOSES; Multiple exostoses; Multiple osteochondromas; Hereditary multiple exostoses; Hereditary multiple exostosis. Identifiers: Orphanet 321, MedGen C0015306, MONDO:0005508, HP:0002762.

Allele frequency attached by ClinVar (database versions not stated): TOPMed below 0.00001.
gnomAD v4.1: 1 of 1,614,092 alleles (0.000062%); no homozygotes.

Submissions (3):

Labcorp Genetics (formerly Invitae), Labcorp
Classification: Uncertain significance for Multiple congenital exostosis. Last evaluated: 2024-03-12. Review status: criteria provided, single submitter. Criteria: Invitae Variant Classification Sherloc (09022015). Collection method: clinical testing. Allele origin: germline.
Comment: This sequence change replaces arginine, which is basic and polar, with serine, which is neutral and polar, at codon 188 of the EXT1 protein (p.Arg188Ser). This variant is not present in population databases (gnomAD no frequency). This variant has not been reported in the literature in individuals affected with EXT1-related conditions. ClinVar contains an entry for this variant (Variation ID: 931007). Advanced modeling of protein sequence and biophysical properties (such as structural, functional, and spatial information, amino acid conservation, physicochemical variation, residue mobility, and thermodynamic stability) performed at Invitae indicates that this missense variant is not expected to disrupt EXT1 protein function with a negative predictive value of 80%. In summary, the available evidence is currently insufficient to determine the role of this variant in disease. Therefore, it has been classified as a Variant of Uncertain Significance.

Fulgent Genetics
Classification: Uncertain significance for Exostoses, multiple, type 1; Chondrosarcoma. Last evaluated: 2023-12-28. Review status: criteria provided, single submitter. Criteria: ACMG Guidelines, 2015. Collection method: clinical testing. Allele origin: germline.

Centre for Mendelian Genomics, University Medical Centre Ljubljana
Classification: Uncertain significance for Chondrosarcoma. Last evaluated: 2018-12-13. Review status: criteria provided, single submitter. Criteria: ACMG Guidelines, 2015. Collection method: clinical testing. Allele origin: unknown. Affected: yes.
Comment: This variant was classified as: Uncertain significance. The available evidence on this variant's pathogenicity is insufficient or conflicting. The following ACMG criteria were applied in classifying this variant: PM2,PP3.

NM_000127.3(EXT1):c.564G>T (p.Arg188Ser)

Gene: EXT1 (exostosin glycosyltransferase 1; minus strand). Cytogenetic location: 8q24.11.
Variant type: single nucleotide variant.
Coding change: c.564G>T on transcript NM_000127.3 (MANE Select); coding-DNA position 564, G replaced by T.
Protein change: p.Arg188Ser; replaces arginine 188 with serine.
Molecular consequence: missense variant.
Genome position (GRCh38, 1-based): chr8:118,110,483, C>A on the plus strand (G>T on the coding strand, the complement: EXT1 is on the minus strand). VCF-style: chr8-118110483-C-A. GRCh37 (hg19) VCF-style: chr8-119122722-C-A.
Other names: short protein forms R188S.
Identifiers: ClinVar variation 931007 (VCV000931007.7), dbSNP rs1817877271, ClinGen allele CA371915563.